The following is an entry in ClinVar:

ClinVar aggregate classification (germline): Likely pathogenic (1 of 4 stars; one submission).

Conditions:
Primary ciliary dyskinesia. Also called: Ciliary dyskinesia. Identifiers: Orphanet 244, MedGen C0008780, MONDO:0016575, HP:0012265.

Submission:

Natera, Inc.
Classification: Likely pathogenic for Primary ciliary dyskinesia. Last evaluated: 2024-06-12. Review status: criteria provided, single submitter. Criteria: Natera Variant Classification Schema (03/2026). Collection method: clinical testing. Allele origin: germline.
Comment: The c.1390_1400del variant in DNAI2 is a frameshift variant predicted to shift the reading frame beginning at codon 464 and leads to a stop codon 25 codons downstream. This variant is expected to result in nonsense mediated decay, truncation, or a dysfunctional protein product. This variant is rare in the general population with a frequency below the threshold expected for the associated phenotype(s). Given the available evidence, this variant is classified as Likely Pathogenic.

NM_023036.6(DNAI2):c.1390_1400del (p.Gly464fs)

Gene: DNAI2 (dynein axonemal intermediate chain 2; plus strand). Cytogenetic location: 17q25.1.
Variant type: Deletion.
Coding change: c.1390_1400del on transcript NM_023036.6 (MANE Select); coding-DNA positions 1390 to 1400, 11 bases deleted (GGGTGTCTCAT).
Protein change: p.Gly464fs; shifts the reading frame from glycine 464.
Molecular consequence: frameshift variant. On other transcripts: non-coding transcript variant (1).
Genome position (GRCh38, 1-based): chr17:74,310,059-74,310,069, GGGTGTCTCAT deleted; deleting any 11 consecutive bases within chr17:74,310,057-74,310,069 gives the same sequence; the c. name uses the placement nearest the transcript's 3' end. VCF-style (leftmost placement, unchanged base first): chr17-74310056-AATGGGTGTCTC-A. GRCh37 (hg19) VCF-style: chr17-72306195-AATGGGTGTCTC-A.
Other names: c.1354_1364del, p.Gly452fs (NM_001172810.3); c.1390_1400del, p.Gly464fs (NM_001353167.2); short protein forms G452fs, G464fs.
Identifiers: ClinVar variation 4816114 (VCV004816114.1).
Genomic context (GRCh38, chr17:74,310,056, plus strand): 5'-TCTGCCCGGCCCCTTCAATAGGTGTGTGACGAGGCCCTCTTCTGCCTCCGGGTGCAGGAC[AATGGGTGTCTC>A]ATCGCCTGCGGCTCCCAGCTGGGGACAACCACCCTGCTGGAGGTCTCGCCTGGGCTCTCT-3'